The following is an entry in ClinVar:

NM_000530.8(MPZ):c.317G>A (p.Arg106His)

Gene: MPZ (myelin protein zero; minus strand). Cytogenetic location: 1q23.3.
Variant type: single nucleotide variant.
Coding change: c.317G>A on transcript NM_000530.8 (MANE Select); coding-DNA position 317, G replaced by A.
Protein change: p.Arg106His; replaces arginine 106 with histidine.
Molecular consequence: missense variant.
Genome position (GRCh38, 1-based): chr1:161,306,839, C>T on the plus strand (G>A on the coding strand, the complement: MPZ is on the minus strand). VCF-style: chr1-161306839-C-T. GRCh37 (hg19) VCF-style: chr1-161276629-C-T.
Other names: c.317G>A (LRG_256t1); c.317G>A, p.Arg106His (NM_001315491.2); short protein forms R106H.
Identifiers: ClinVar variation 411670 (VCV000411670.11), dbSNP rs145039212, ClinGen allele CA1210184.

ClinVar aggregate classification (germline): Uncertain significance. Review status: criteria provided, multiple submitters, no conflicts (2 of 4 stars). 3 submissions from 3 submitters: Uncertain significance (3). Last evaluated 2024-04-06.

Conditions:
Inborn genetic diseases. Identifiers: MedGen C0950123, MeSH D030342.
Charcot-Marie-Tooth disease, type I (CMT1). Also called: Charcot-Marie-Tooth, Type 1; Charcot-Marie-Tooth disease type 1. Identifiers: Orphanet 65753, MedGen C0751036, MONDO:0019011.
Charcot-Marie-Tooth disease. Also called: Charcot-Marie-Tooth Neuropathy; Charcot-Marie-Tooth Hereditary Neuropathy. Identifiers: Orphanet 166, MedGen C0007959, MONDO:0015626.

Allele frequency attached by ClinVar (database versions not stated): gnomAD exomes 0.00001; ExAC 0.00002; TOPMed 0.00002; gnomAD 0.00003; ESP Exome Variant Server 0.00015.

Submissions (3):

Labcorp Genetics (formerly Invitae), Labcorp
Classification: Uncertain significance for Charcot-Marie-Tooth disease, type I. Last evaluated: 2024-04-06. Review status: criteria provided, single submitter. Criteria: Invitae Variant Classification Sherloc (09022015). Collection method: clinical testing. Allele origin: germline.
Comment: This sequence change replaces arginine, which is basic and polar, with histidine, which is basic and polar, at codon 106 of the MPZ protein (p.Arg106His). This variant is present in population databases (rs145039212, gnomAD 0.007%). This missense change has been observed in individual(s) with Charcot-Marie-Tooth disease (PMID: 32376792). ClinVar contains an entry for this variant (Variation ID: 411670). Advanced modeling of protein sequence and biophysical properties (such as structural, functional, and spatial information, amino acid conservation, physicochemical variation, residue mobility, and thermodynamic stability) performed at Invitae indicates that this missense variant is not expected to disrupt MPZ protein function with a negative predictive value of 80%. This variant disrupts the p.Arg106 amino acid residue in MPZ. Other variant(s) that disrupt this residue have been determined to be pathogenic (PMID: 22222859). This suggests that this residue is clinically significant, and that variants that disrupt this residue are likely to be disease-causing. In summary, the available evidence is currently insufficient to determine the role of this variant in disease. Therefore, it has been classified as a Variant of Uncertain Significance.

Ambry Genetics
Classification: Uncertain significance for Inborn genetic diseases. Last evaluated: 2021-05-04. Review status: criteria provided, single submitter. Criteria: Ambry Variant Classification Scheme 2023. Collection method: clinical testing. Allele origin: germline.
Comment: The p.R106H variant (also known as c.317G>A), located in coding exon 3 of the MPZ gene, results from a G to A substitution at nucleotide position 317. The arginine at codon 106 is replaced by histidine, an amino acid with highly similar properties. This amino acid position is not well conserved in available vertebrate species. In addition, this alteration is predicted to be tolerated by in silico analysis. Since supporting evidence is limited at this time, the clinical significance of this alteration remains unclear.

Molecular Genetics Laboratory, London Health Sciences Centre
Classification: Uncertain significance for Charcot-Marie-Tooth disease. Review status: criteria provided, single submitter. Criteria: ACMG Guidelines, 2015. Collection method: clinical testing. Allele origin: germline. Affected: yes.

Literature cited by the submitters: PubMed 32376792 (cited by Labcorp Genetics (formerly Invitae), Labcorp); PubMed 22222859 (cited by Labcorp Genetics (formerly Invitae), Labcorp).